The following is an entry in ClinVar:

NM_000531.6(OTC):c.-365G>A

Gene: OTC (ornithine transcarbamylase; plus strand). Cytogenetic location: Xp11.4.
Variant type: single nucleotide variant.
Coding change: c.-365G>A on transcript NM_000531.6 (MANE Select); 365 bases upstream of the start codon, G replaced by A.
Genome position (GRCh38, 1-based): chrX:38,352,332, G>A. VCF-style: chrX-38352332-G-A. GRCh37 (hg19) VCF-style: chrX-38211585-G-A.
Identifiers: ClinVar variation 380178 (VCV000380178.2), dbSNP rs5963030, ClinGen allele CA16608855.

ClinVar aggregate classification (germline): Benign. Review status: criteria provided, single submitter (1 of 4 stars). 2 submissions from 2 submitters: Benign (1). 1 of the submissions does not count toward it. Last evaluated 2015-12-02.

Conditions:
Ornithine carbamoyltransferase deficiency (OTCD). Also called: OTC DEFICIENCY; Ornithine Carbamoyltransferase Deficiency Disease; ORNITHINE TRANSCARBAMYLASE DEFICIENCY; ORNITHINE TRANSCARBAMYLASE DEFICIENCY, HYPERAMMONEMIA DUE TO. Identifiers: Orphanet 664, MedGen C0268542, MONDO:0010703, OMIM 311250.

Allele frequency attached by ClinVar (database versions not stated): 1000 Genomes Project 30x 0.11238; 1000 Genomes Project 0.11391; TOPMed 0.12504; gnomAD 0.13285 and 0.13391.
gnomAD v4.1: 14,890 of 111,471 alleles (13%); highest among the groups gnomAD compares: Non-Finnish European, 17%; 807 homozygotes.

Submissions (2):

GeneDx
Classification: Benign. Last evaluated: 2015-12-02. Review status: criteria provided, single submitter. Criteria: GeneDx Variant Classification (06012015). Collection method: clinical testing. Allele origin: germline. Affected: yes.
Comment: This variant is considered likely benign or benign based on one or more of the following criteria: it is a conservative change, it occurs at a poorly conserved position in the protein, it is predicted to be benign by multiple in silico algorithms, and/or has population frequency not consistent with disease.

Natera, Inc.
Classification: Benign for Ornithine transcarbamylase deficiency. Last evaluated: 2020-09-16. Review status: no assertion criteria provided. Collection method: clinical testing. Allele origin: germline. Not counted in ClinVar's aggregate classification.